The following is an entry in ClinVar:

ClinVar aggregate classification (germline): Uncertain significance (1 of 4 stars; one submission).

gnomAD v4.1: 1 of 1,548,936 alleles (0.000065%); no homozygotes.

Submission:

Ambry Genetics
Classification: Uncertain significance. Last evaluated: 2024-12-02. Review status: criteria provided, single submitter. Criteria: Ambry Variant Classification Scheme 2023. Collection method: clinical testing. Allele origin: germline.
Comment: The p.G384D variant (also known as c.1151G>A), located in coding exon 8 of the RNF43 gene, results from a G to A substitution at nucleotide position 1151. The glycine at codon 384 is replaced by aspartic acid, an amino acid with similar properties. This amino acid position is conserved. In addition, this alteration is predicted to be tolerated by in silico analysis. Based on the available evidence, the clinical significance of this variant remains unclear.

NM_017763.6(RNF43):c.1151G>A (p.Gly384Asp)

Gene: RNF43 (ring finger protein 43; minus strand). Cytogenetic location: 17q22.
Variant type: single nucleotide variant.
Coding change: c.1151G>A on transcript NM_017763.6 (MANE Select); coding-DNA position 1151, G replaced by A.
Protein change: p.Gly384Asp; replaces glycine 384 with aspartic acid.
Molecular consequence: missense variant.
Genome position (GRCh38, 1-based): chr17:58,358,625, C>T on the plus strand (G>A on the coding strand, the complement: RNF43 is on the minus strand). VCF-style: chr17-58358625-C-T. GRCh37 (hg19) VCF-style: chr17-56435986-C-T.
Other names: c.1151G>A, p.Gly384Asp (NM_001305544.3); c.770G>A, p.Gly257Asp (NM_001305545.2); short protein forms G257D, G384D.
Identifiers: ClinVar variation 3434534 (VCV003434534.1).